The following is an entry in ClinVar:

NM_004637.6(RAB7A):c.*206G>A

Gene: RAB7A (RAB7A, member RAS oncogene family; plus strand). Cytogenetic location: 3q21.3.
Variant type: single nucleotide variant.
Coding change: c.*206G>A on transcript NM_004637.6 (MANE Select); 206 bases downstream of the stop codon, G replaced by A.
Molecular consequence: 3 prime UTR variant.
Genome position (GRCh38, 1-based): chr3:128,813,628, G>A. VCF-style: chr3-128813628-G-A. GRCh37 (hg19) VCF-style: chr3-128532471-G-A.
Identifiers: ClinVar variation 343168 (VCV000343168.7), dbSNP rs16851333, ClinGen allele CA10614802.

ClinVar aggregate classification (germline): Benign. Review status: criteria provided, multiple submitters, no conflicts (2 of 4 stars). 3 submissions from 3 submitters: Benign (3). Last evaluated 2018-07-15.

Conditions:
Charcot-Marie-Tooth disease type 2B (CMT2B). Also called: Charcot-Marie-Tooth Neuropathy Type 2B; CHARCOT-MARIE-TOOTH DISEASE, AXONAL, TYPE 2B; CHARCOT-MARIE-TOOTH DISEASE, AUTOSOMAL DOMINANT, TYPE 2B; HEREDITARY MOTOR AND SENSORY NEUROPATHY IIB. Identifiers: Orphanet 99936, MedGen C1833219, MONDO:0010949, OMIM 600882.

Allele frequency attached by ClinVar (database versions not stated): gnomAD 0.01695 and 0.01808; TOPMed 0.01858; 1000 Genomes Project 0.01897; 1000 Genomes Project 30x 0.02030.
gnomAD v4.1: 3,608 of 608,778 alleles (0.59%); highest among the groups gnomAD compares: African/African-American, 5.9%; 91 homozygotes.

Submissions (3):

GeneDx
Classification: Benign. Last evaluated: 2018-07-15. Review status: criteria provided, single submitter. Criteria: GeneDx Variant Classification Process June 2021. Collection method: clinical testing. Allele origin: germline. Affected: yes.

Illumina Laboratory Services, Illumina
Classification: Benign for Charcot-Marie-Tooth disease type 2B. Last evaluated: 2018-01-12. Review status: criteria provided, single submitter. Criteria: ICSL Variant Classification Criteria 13 December 2019. Collection method: clinical testing. Allele origin: germline.
Comment: This variant was observed in the ICSL laboratory as part of a predisposition screen in an ostensibly healthy population. It had not been previously curated by ICSL or reported in the Human Gene Mutation Database (HGMD: prior to June 1st, 2018), and was therefore a candidate for classification through an automated scoring system. Utilizing variant allele frequency, disease prevalence and penetrance estimates, and inheritance mode, an automated score was calculated to assess if this variant is too frequent to cause the disease. Based on the score and internal cut-off values, a variant classified as benign is not then subjected to further curation. The score for this variant resulted in a classification of benign for this disease.

Breakthrough Genomics
Classification: Benign. Review status: criteria provided, single submitter. Criteria: ACMG Guidelines, 2015. Collection method: not provided. Allele origin: germline. Inheritance: Autosomal dominant inheritance. Affected: yes.